The following is an entry in ClinVar:

NM_003482.4(KMT2D):c.5913C>T (p.Ser1971=)

Gene: KMT2D (lysine methyltransferase 2D; minus strand). Cytogenetic location: 12q13.12.
Variant type: single nucleotide variant.
Coding change: c.5913C>T on transcript NM_003482.4 (MANE Select); coding-DNA position 5913, C replaced by T.
Protein change: p.Ser1971=; no amino-acid change (serine 1971 retained).
Molecular consequence: synonymous variant.
Genome position (GRCh38, 1-based): chr12:49,042,285, G>A on the plus strand (C>T on the coding strand, the complement: KMT2D is on the minus strand). VCF-style: chr12-49042285-G-A. GRCh37 (hg19) VCF-style: chr12-49436068-G-A.
Identifiers: ClinVar variation 1177811 (VCV001177811.14), dbSNP rs548965753, ClinGen allele CA6547394.
Genomic context (GRCh38, chr12:49,042,285, plus strand): 5'-ACCCTCCGTGGTGGGGGTTGTGGGGGTGGAGGGCGTGGTGCCACCTGAGCCCGTCCAGGG[G>A]CTGTCGGGCTCACCGGGTTCCGGGCTAAAGAAGCCCCCGCGCTCCCTGGGGCGCAGGGGC-3'
Protein context (NP_003473.3, residues 1961-1981): FFSPEPGEPD[Ser1971=]PWTGSGGTTP

ClinVar aggregate classification (germline): Benign/Likely benign. Review status: criteria provided, multiple submitters, no conflicts (2 of 4 stars). 5 submissions from 5 submitters: Benign (2); Likely benign (2). 1 of the submissions does not count toward it. Last evaluated 2026-07-01.

Conditions:
Kabuki syndrome. Also called: NIIKAWA-KUROKI SYNDROME; Kabuki make-up syndrome. Identifiers: Orphanet 2322, MedGen C0796004, MONDO:0016512.
KMT2D-related disorder. Also called: KMT2D-Related Disorders.

Allele frequency attached by ClinVar (database versions not stated): ExAC 0.00074; TOPMed 0.00002; gnomAD 0.00003; gnomAD exomes 0.00009 and 0.00021; 1000 Genomes Project 30x 0.00031; 1000 Genomes Project 0.00040.
gnomAD v4.1: 136 of 1,565,202 alleles (0.0087%); highest among the groups gnomAD compares: South Asian, 0.14%; 1 homozygote.

Submissions (5):

CeGaT Center for Human Genetics Tuebingen
Classification: Likely benign. Last evaluated: 2026-07-01. Review status: criteria provided, single submitter. Criteria: CeGaT Center For Human Genetics Tuebingen Variant Classification Criteria Version 2. Collection method: clinical testing. Allele origin: germline. Affected: yes. Observed: 1 variant allele.
Comment: KMT2D: BP4, BP7, BS1

Labcorp Genetics (formerly Invitae), Labcorp
Classification: Benign for Kabuki syndrome. Last evaluated: 2024-12-05. Review status: criteria provided, single submitter. Criteria: Invitae Variant Classification Sherloc (09022015). Collection method: clinical testing. Allele origin: germline.

Blueprint Genetics
Classification: Likely benign. Last evaluated: 2024-07-06. Review status: criteria provided, single submitter. Criteria: ACMG Guidelines, 2015. Collection method: clinical testing. Allele origin: germline.

GeneDx
Classification: Benign. Last evaluated: 2021-05-09. Review status: criteria provided, single submitter. Criteria: GeneDx Variant Classification Process June 2021. Collection method: clinical testing. Allele origin: germline. Affected: yes.

PreventionGenetics, part of Exact Sciences
Classification: Likely benign for KMT2D-related condition. Last evaluated: 2023-07-13. Review status: no assertion criteria provided. Collection method: clinical testing. Allele origin: germline. Not counted in ClinVar's aggregate classification.
Comment: This variant is classified as likely benign based on ACMG/AMP sequence variant interpretation guidelines (Richards et al. 2015 PMID: 25741868, with internal and published modifications).